The following is an entry in ClinVar:

ClinVar aggregate classification (germline): Likely benign (1 of 4 stars; one submission).

Submission:

CeGaT Center for Human Genetics Tuebingen
Classification: Likely benign. Last evaluated: 2025-08-01. Review status: criteria provided, single submitter. Criteria: CeGaT Center For Human Genetics Tuebingen Variant Classification Criteria Version 2. Collection method: clinical testing. Allele origin: germline. Affected: yes. Observed: 1 variant allele.
Comment: RET: PM2:Supporting, BP4, BP7

NM_020975.6(RET):c.843C>A (p.Ala281=)

Gene: RET (ret proto-oncogene; plus strand). Cytogenetic location: 10q11.21.
Variant type: single nucleotide variant.
Coding change: c.843C>A on transcript NM_020975.6 (MANE Select); coding-DNA position 843, C replaced by A.
Protein change: p.Ala281=; no amino-acid change (alanine 281 retained).
Molecular consequence: synonymous variant. On other transcripts: intron variant (22).
Genome position (GRCh38, 1-based): chr10:43,105,169, C>A. VCF-style: chr10-43105169-C-A. GRCh37 (hg19) VCF-style: chr10-43600617-C-A.
Other names: c.81C>A, p.Ala27= (NM_001355216.2); c.843C>A, p.Ala281= (NM_001406743.1, NM_001406744.1, NM_001406759.1 and 6 more transcripts); c.714C>A, p.Ala238= (NM_001406761.1, NM_001406762.1, NM_001406764.1 and 2 more transcripts); c.555C>A, p.Ala185= (NM_001406766.1, NM_001406767.1, NM_001406770.1); c.625+2540C>A (NM_001406773.1, NM_001406771.1, NM_001406782.1 and 5 more transcripts); c.496+2540C>A (NM_001406786.1, NM_001406783.1); c.338-3862C>A (NM_001406778.1, NM_001406775.1, NM_001406776.1 and 1 more transcripts); c.337+4447C>A (NM_001406790.1, NM_001406788.1, NM_001406789.1 and 1 more transcripts); and 2 more.
Identifiers: ClinVar variation 4084749 (VCV004084749.8).